The following is an entry in ClinVar:

NM_000321.3(RB1):c.303C>A (p.Ile101=)

Gene: RB1 (RB transcriptional corepressor 1; plus strand). Cytogenetic location: 13q14.2.
Variant type: single nucleotide variant.
Coding change: c.303C>A on transcript NM_000321.3 (MANE Select); coding-DNA position 303, C replaced by A.
Protein change: p.Ile101=; no amino-acid change (isoleucine 101 retained).
Molecular consequence: synonymous variant.
Genome position (GRCh38, 1-based): chr13:48,342,637, C>A. VCF-style: chr13-48342637-C-A. GRCh37 (hg19) VCF-style: chr13-48916773-C-A.
Other names: c.303C>A, p.Ile101= (NM_001407165.1, NM_001407166.1).
Identifiers: ClinVar variation 3387554 (VCV003387554.1).

ClinVar aggregate classification (germline): Likely benign (1 of 4 stars; one submission).

Conditions:
Retinoblastoma (RB1). Also called: RETINOBLASTOMA, SOMATIC. Identifiers: Orphanet 790, MedGen C0035335, MeSH D012175, MONDO:0008380, OMIM 180200, HP:0009919. Disease mechanism: loss of function. Inheritance: Both sporadic and heritable forms are tested..

Submission:

All of Us Research Program, National Institutes of Health
Classification: Likely benign for Retinoblastoma. Last evaluated: 2024-03-24. Review status: criteria provided, single submitter. Criteria: ACMG Guidelines, 2015. Collection method: clinical testing. Allele origin: germline. Inheritance: Autosomal dominant inheritance. Observed: 1 variant allele, 1 heterozygote.
Comment: This study involves interpretation of variants in research participants for the purpose of population health screening. Participant phenotype was not available at the time of variant classification. Additional details can be found in publication PMID: 35346344, PMCID: PMC8962531